The following is an entry in ClinVar:

ClinVar aggregate classification (germline): Uncertain significance. Review status: criteria provided, multiple submitters, no conflicts (2 of 4 stars). 3 submissions from 3 submitters: Uncertain significance (3). Last evaluated 2025-11-11.

Conditions:
Cardiovascular phenotype. Identifiers: MedGen CN230736.
Cardiomyopathy (CMYO). Also called: Cardiomyopathies. Identifiers: Orphanet 167848, MedGen C0878544, MONDO:0004994, HP:0001638. Inheritance: Various modes of inheritance.
Arrhythmogenic right ventricular dysplasia 10. Also called: Arrhythmogenic Right Ventricular Dysplasia/Cardiomyopathy10; Arrhythmogenic right ventricular dysplasia/cardiomyopathy, type 10; ARRHYTHMOGENIC RIGHT VENTRICULAR DYSPLASIA, FAMILIAL, 10. Identifiers: MedGen C1857777, MONDO:0012434, OMIM 610193.

Allele frequency attached by ClinVar (database versions not stated): gnomAD exomes below 0.00001; TOPMed below 0.00001; ExAC 0.00001; gnomAD 0.00001; 1000 Genomes Project 0.00020; 1000 Genomes Project 30x 0.00031.
gnomAD v4.1: 1 of 1,614,186 alleles (0.000062%); highest among the groups gnomAD compares: East Asian, 0.0022%; no homozygotes.

Submissions (3):

Labcorp Genetics (formerly Invitae), Labcorp
Classification: Uncertain significance for Arrhythmogenic right ventricular dysplasia 10. Last evaluated: 2025-11-11. Review status: criteria provided, single submitter. Criteria: Invitae Variant Classification Sherloc (09022015). Collection method: clinical testing. Allele origin: germline.
Comment: This sequence change replaces leucine, which is neutral and non-polar, with methionine, which is neutral and non-polar, at codon 632 of the DSG2 protein (p.Leu632Met). This variant is present in population databases (rs187508748, gnomAD 0.006%). This variant has not been reported in the literature in individuals affected with DSG2-related conditions. ClinVar contains an entry for this variant (Variation ID: 1172070). Invitae Evidence Modeling of protein sequence and biophysical properties (such as structural, functional, and spatial information, amino acid conservation, physicochemical variation, residue mobility, and thermodynamic stability) has been performed for this missense variant. However, the output from this modeling did not meet the statistical confidence thresholds required to predict the impact of this variant on DSG2 protein function. In summary, the available evidence is currently insufficient to determine the role of this variant in disease. Therefore, it has been classified as a Variant of Uncertain Significance.

Ambry Genetics
Classification: Uncertain significance for Cardiovascular phenotype. Last evaluated: 2025-02-22. Review status: criteria provided, single submitter. Criteria: Ambry Variant Classification Scheme 2023. Collection method: clinical testing. Allele origin: germline.
Comment: The p.L632M variant (also known as c.1894C>A), located in coding exon 13 of the DSG2 gene, results from a C to A substitution at nucleotide position 1894. The leucine at codon 632 is replaced by methionine, an amino acid with highly similar properties. This amino acid position is conserved. In addition, this alteration is predicted to be tolerated by in silico analysis. Based on the available evidence, the clinical significance of this variant remains unclear.

Color Diagnostics, LLC DBA Color Health
Classification: Uncertain significance for Cardiomyopathy. Last evaluated: 2024-03-06. Review status: criteria provided, single submitter. Criteria: ACMG Guidelines, 2015. Collection method: clinical testing. Allele origin: germline.
Comment: This missense variant replaces leucine with methionine at codon 632 of the DSG2 protein. Computational prediction suggests that this variant may not impact protein structure and function (internally defined REVEL score threshold <= 0.5, PMID: 27666373). To our knowledge, functional studies have not been reported for this variant. This variant has not been reported in individuals affected with cardiovascular disorders in the literature. This variant has been identified in 1/249330 chromosomes in the general population by the Genome Aggregation Database (gnomAD). The available evidence is insufficient to determine the role of this variant in disease conclusively. Therefore, this variant is classified as a Variant of Uncertain Significance.

NM_001943.5(DSG2):c.1894C>A (p.Leu632Met)

Gene: DSG2 (desmoglein 2; plus strand). Cytogenetic location: 18q12.1.
Variant type: single nucleotide variant.
Coding change: c.1894C>A on transcript NM_001943.5 (MANE Select); coding-DNA position 1894, C replaced by A.
Protein change: p.Leu632Met; replaces leucine 632 with methionine.
Molecular consequence: missense variant.
Genome position (GRCh38, 1-based): chr18:31,541,207, C>A. VCF-style: chr18-31541207-C-A. GRCh37 (hg19) VCF-style: chr18-29121170-C-A.
Other names: c.1894C>A (NM_001943.3); short protein forms L632M.
Identifiers: ClinVar variation 1172070 (VCV001172070.7), dbSNP rs187508748, ClinGen allele CA044190.